The following is an entry in ClinVar:

ClinVar aggregate classification (germline): Uncertain significance (1 of 4 stars; one submission).

Conditions:
Familial melanoma. Also called: Hereditary melanoma; Hereditary cutaneous melanoma. Identifiers: Orphanet 618, MedGen C1512419, MONDO:0018961.

Submission:

Labcorp Genetics (formerly Invitae), Labcorp
Classification: Uncertain significance for Familial melanoma. Last evaluated: 2021-09-16. Review status: criteria provided, single submitter. Criteria: Invitae Variant Classification Sherloc (09022015). Collection method: clinical testing. Allele origin: germline.
Comment: This variant results in a copy number gain of the genomic region encompassing exon(s) 1 of the CDKN2A (p16INK4a) gene. This region includes the initiator codon of the gene. This copy number gain extends beyond the assayed region for this gene and therefore may encompass additional genes. As the precise location of this event is unknown, it may be in tandem or it may be located elsewhere in the genome. This variant has not been reported in the literature in individuals affected with CDKN2A (p16INK4a)-related conditions. Experimental studies and prediction algorithms are not available or were not evaluated, and the functional significance of this variant is currently unknown. In summary, the available evidence is currently insufficient to determine the role of this variant in disease. Therefore, it has been classified as a Variant of Uncertain Significance.

NC_000009.11:g.(?_21974667)_(22160087_?)dup

Genes: CDKN2A (cyclin dependent kinase inhibitor 2A; minus strand), CDKN2B (cyclin dependent kinase inhibitor 2B; minus strand), CDKN2B-AS1 (CDKN2B antisense RNA 1; plus strand). Cytogenetic location: 9p21.3.
Variant type: Duplication.
Identifiers: ClinVar variation 2422312 (VCV002422312.4).